The following is an entry in ClinVar:

NM_007013.4(WWP1):c.540-5T>C

Gene: WWP1 (WW domain containing E3 ubiquitin protein ligase 1; plus strand). Cytogenetic location: 8q21.3.
Variant type: single nucleotide variant.
Coding change: c.540-5T>C on transcript NM_007013.4 (MANE Select); 5 bases into the intron before coding-DNA position 540, T replaced by C.
Molecular consequence: intron variant.
Genome position (GRCh38, 1-based): chr8:86,402,014, T>C. VCF-style: chr8-86402014-T-C. GRCh37 (hg19) VCF-style: chr8-87414243-T-C.
Identifiers: ClinVar variation 2658677 (VCV002658677.24), dbSNP rs187132881, ClinGen allele CA4798090.

ClinVar aggregate classification (germline): Likely benign (1 of 4 stars; one submission).

Allele frequency attached by ClinVar (database versions not stated): 1000 Genomes Project 30x 0.00016; 1000 Genomes Project 0.00020; ESP Exome Variant Server 0.00054; TOPMed 0.00104; gnomAD exomes 0.00128; ExAC 0.00223; gnomAD 0.00226.
gnomAD v4.1: 2,124 of 1,549,278 alleles (0.14%); highest among the groups gnomAD compares: Non-Finnish European, 0.12%; 7 homozygotes.

Submission:

CeGaT Center for Human Genetics Tuebingen
Classification: Likely benign. Last evaluated: 2023-07-01. Review status: criteria provided, single submitter. Criteria: CeGaT Center For Human Genetics Tuebingen Variant Classification Criteria Version 2. Collection method: clinical testing. Allele origin: germline. Affected: yes. Observed: 1 variant allele.
Comment: WWP1: BP4